The following is an entry in ClinVar:

NM_000133.4(F9):c.268C>T (p.Gln90Ter)

Gene: F9 (coagulation factor IX; plus strand). Cytogenetic location: Xq27.1.
Variant type: single nucleotide variant.
Coding change: c.268C>T on transcript NM_000133.4 (MANE Select); coding-DNA position 268, C replaced by T.
Protein change: p.Gln90Ter; replaces glutamine 90 with a stop codon.
Molecular consequence: nonsense.
Genome position (GRCh38, 1-based): chrX:139,537,377, C>T. VCF-style: chrX-139537377-C-T. GRCh37 (hg19) VCF-style: chrX-138619536-C-T.
Other names: c.268C>T, p.Gln90Ter (NM_001313913.2); short protein forms Q90*.
Identifiers: ClinVar variation 3759688 (VCV003759688.2).

ClinVar aggregate classification (germline): Pathogenic (1 of 4 stars; one submission).

Conditions:
Thrombophilia, X-linked, due to factor 9 defect. Identifiers: MedGen C2749016, MONDO:0010432, OMIM 300807.
Hereditary factor IX deficiency disease (HEMB). Also called: Christmas Disease; F9 DEFICIENCY; FACTOR IX DEFICIENCY; PLASMA THROMBOPLASTIN COMPONENT DEFICIENCY; Hemophilia B. Identifiers: Orphanet 98879, MedGen C0008533, MeSH D002836, MONDO:0010604, OMIM 306900.

Submission:

Labcorp Genetics (formerly Invitae), Labcorp
Classification: Pathogenic for Thrombophilia, X-linked, due to factor 9 defect; Hereditary factor IX deficiency disease. Last evaluated: 2024-11-03. Review status: criteria provided, single submitter. Criteria: Invitae Variant Classification Sherloc (09022015). Collection method: clinical testing. Allele origin: germline.
Comment: This sequence change creates a premature translational stop signal (p.Gln90*) in the F9 gene. It is expected to result in an absent or disrupted protein product. Loss-of-function variants in F9 are known to be pathogenic (PMID: 20301668). This variant is not present in population databases (gnomAD no frequency). This premature translational stop signal has been observed in individual(s) with hemophilia B (PMID: 7937052). This variant is also known as 6693 C>T. Algorithms developed to predict the effect of sequence changes on RNA splicing suggest that this variant may disrupt the consensus splice site. For these reasons, this variant has been classified as Pathogenic.

Literature cited by the submitters: PubMed 20301668; PubMed 7937052.